The following is an entry in ClinVar:

ClinVar aggregate classification (germline): Likely benign. Review status: criteria provided, multiple submitters, no conflicts (2 of 4 stars). 3 submissions from 3 submitters: Likely benign (2). 1 of the submissions does not count toward it. Last evaluated 2024-10-30.

Conditions:
TCF20-related disorder. Also called: TCF20-related condition.

Allele frequency attached by ClinVar (database versions not stated): gnomAD exomes 0.00001; ExAC 0.00002; TOPMed 0.00006; gnomAD 0.00007; ESP Exome Variant Server 0.00015.
gnomAD v4.1: 31 of 1,614,004 alleles (0.0019%); highest among the groups gnomAD compares: African/African-American, 0.019%; no homozygotes.

Submissions (3):

Labcorp Genetics (formerly Invitae), Labcorp
Classification: Likely benign. Last evaluated: 2024-10-30. Review status: criteria provided, single submitter. Criteria: Invitae Variant Classification Sherloc (09022015). Collection method: clinical testing. Allele origin: germline.

Blueprint Genetics
Classification: Likely benign. Last evaluated: 2023-07-25. Review status: criteria provided, single submitter. Criteria: ACMG Guidelines, 2015. Collection method: clinical testing. Allele origin: germline.

PreventionGenetics, part of Exact Sciences
Classification: Likely benign for TCF20-related condition. Last evaluated: 2024-08-09. Review status: no assertion criteria provided. Collection method: clinical testing. Allele origin: germline. Not counted in ClinVar's aggregate classification.
Comment: This variant is classified as likely benign based on ACMG/AMP sequence variant interpretation guidelines (Richards et al. 2015 PMID: 25741868, with internal and published modifications).

NM_001378418.1(TCF20):c.2304T>C (p.Tyr768=)

Gene: TCF20 (transcription factor 20; minus strand). Cytogenetic location: 22q13.2.
Variant type: single nucleotide variant.
Coding change: c.2304T>C on transcript NM_001378418.1 (MANE Select); coding-DNA position 2304, T replaced by C.
Protein change: p.Tyr768=; no amino-acid change (tyrosine 768 retained).
Molecular consequence: synonymous variant.
Genome position (GRCh38, 1-based): chr22:42,213,002, A>G on the plus strand (T>C on the coding strand, the complement: TCF20 is on the minus strand). VCF-style: chr22-42213002-A-G. GRCh37 (hg19) VCF-style: chr22-42609008-A-G.
Other names: c.2304T>C (NM_005650.3); c.2304T>C, p.Tyr768= (NM_005650.4, NM_181492.3).
Identifiers: ClinVar variation 2877657 (VCV002877657.5), dbSNP rs148470365, ClinGen allele CA10267034.